The following is an entry in ClinVar:

NM_145698.5(ACBD5):c.38G>C (p.Ser13Thr)

Genes: ACBD5 (acyl-CoA binding domain containing 5; minus strand), LOC130003557 (ATAC-STARR-seq lymphoblastoid active region 3182; plus strand). Cytogenetic location: 10p12.1.
Variant type: single nucleotide variant.
Coding change: c.38G>C on transcript NM_145698.5 (MANE Select); coding-DNA position 38, G replaced by C.
Protein change: p.Ser13Thr; replaces serine 13 with threonine.
Molecular consequence: missense variant. On other transcripts: 5 prime UTR variant (16).
Genome position (GRCh38, 1-based): chr10:27,240,462, C>G on the plus strand (G>C on the coding strand, the complement: ACBD5 is on the minus strand). VCF-style: chr10-27240462-C-G. GRCh37 (hg19) VCF-style: chr10-27529391-C-G.
Other names: c.-68G>C (NM_001042473.4, NM_001352574.2, NM_001352575.2 and 6 more transcripts); c.32G>C, p.Ser11Thr (NM_001271512.3, NM_001352571.1, NM_001352586.1 and 1 more transcripts); c.-169G>C (NM_001301251.2, NM_001301252.2, NM_001301253.2 and 4 more transcripts); c.59G>C, p.Ser20Thr (NM_001352568.1, NM_001352572.1); c.38G>C, p.Ser13Thr (NM_001352569.1, NM_001352570.1, NM_001352573.1 and 2 more transcripts); short protein forms S20T, S11T, S13T.
Identifiers: ClinVar variation 1369238 (VCV001369238.8), dbSNP rs2138620982, ClinGen allele CA376378903.

ClinVar aggregate classification (germline): Uncertain significance (1 of 4 stars; one submission).

Submission:

Labcorp Genetics (formerly Invitae), Labcorp
Classification: Uncertain significance. Last evaluated: 2023-03-10. Review status: criteria provided, single submitter. Criteria: Invitae Variant Classification Sherloc (09022015). Collection method: clinical testing. Allele origin: germline.
Comment: This variant is not present in population databases (gnomAD no frequency). This sequence change replaces serine, which is neutral and polar, with threonine, which is neutral and polar, at codon 13 of the ACBD5 protein (p.Ser13Thr). This variant has not been reported in the literature in individuals affected with ACBD5-related conditions. In summary, the available evidence is currently insufficient to determine the role of this variant in disease. Therefore, it has been classified as a Variant of Uncertain Significance. An algorithm developed to predict the effect of missense changes on protein structure and function (PolyPhen-2) suggests that this variant is likely to be disruptive. ClinVar contains an entry for this variant (Variation ID: 1369238).